The following is an entry in ClinVar:

NM_139027.6(ADAMTS13):c.2217C>T (p.Leu739=)

Gene: ADAMTS13 (ADAM metallopeptidase with thrombospondin type 1 motif 13; plus strand). Cytogenetic location: 9q34.2.
Variant type: single nucleotide variant.
Coding change: c.2217C>T on transcript NM_139027.6 (MANE Select); coding-DNA position 2217, C replaced by T.
Protein change: p.Leu739=; no amino-acid change (leucine 739 retained).
Molecular consequence: synonymous variant.
Genome position (GRCh38, 1-based): chr9:133,442,726, C>T. VCF-style: chr9-133442726-C-T. GRCh37 (hg19) VCF-style: chr9-136307847-C-T.
Other names: p.Leu739=; c.2217C>T, p.Leu739= (NM_139025.5); c.2124C>T, p.Leu708= (NM_139026.6).
Identifiers: ClinVar variation 365553 (VCV000365553.38), dbSNP rs144178018, ClinGen allele CA10633059.

ClinVar aggregate classification (germline): Conflicting classifications of pathogenicity. Review status: criteria provided, conflicting classifications (1 of 4 stars). 5 submissions from 5 submitters: Uncertain significance (1); Likely benign (4). Last evaluated 2026-06-01.

Conditions:
Upshaw-Schulman syndrome (TTP). Also called: Congenital thrombotic thrombocytopenic purpura; THROMBOTIC THROMBOCYTOPENIC PURPURA, HEREDITARY. Identifiers: Orphanet 93583, MedGen C1268935, MONDO:0010122, OMIM 274150.

Allele frequency attached by ClinVar (database versions not stated): 1000 Genomes Project 0.00020; 1000 Genomes Project 30x 0.00031; gnomAD 0.00064; ExAC 0.00070; gnomAD exomes 0.00073; TOPMed 0.00099; ESP Exome Variant Server 0.00123.
gnomAD v4.1: 2,703 of 1,612,830 alleles (0.17%); highest among the groups gnomAD compares: Non-Finnish European, 0.21%; 2 homozygotes.

Submissions (5):

CeGaT Center for Human Genetics Tuebingen
Classification: Likely benign. Last evaluated: 2026-06-01. Review status: criteria provided, single submitter. Criteria: CeGaT Center For Human Genetics Tuebingen Variant Classification Criteria Version 2. Collection method: clinical testing. Allele origin: germline. Affected: yes. Observed: 3 variant alleles.
Comment: ADAMTS13: BP4, BP7

Labcorp Genetics (formerly Invitae), Labcorp
Classification: Likely benign. Last evaluated: 2026-01-16. Review status: criteria provided, single submitter. Criteria: Invitae Variant Classification Sherloc (09022015). Collection method: clinical testing. Allele origin: germline.

Mayo Clinic Laboratories, Mayo Clinic
Classification: Likely benign. Last evaluated: 2025-08-19. Review status: criteria provided, single submitter. Criteria: ACMG Guidelines, 2015. Collection method: clinical testing. Allele origin: germline. Observed: 10 variant alleles.
Comment: BS1, BP4, BP5, BP7

Blueprint Genetics
Classification: Likely benign. Last evaluated: 2024-11-06. Review status: criteria provided, single submitter. Criteria: ACMG Guidelines, 2015. Collection method: clinical testing. Allele origin: germline.

Illumina Laboratory Services, Illumina
Classification: Uncertain significance for Upshaw-Schulman syndrome. Last evaluated: 2018-01-12. Review status: criteria provided, single submitter. Criteria: ICSL Variant Classification Criteria 13 December 2019. Collection method: clinical testing. Allele origin: germline.